The following is an entry in ClinVar:

ClinVar aggregate classification (germline): Uncertain significance. Review status: criteria provided, multiple submitters, no conflicts (2 of 4 stars). 6 submissions from 6 submitters: Uncertain significance (6). Last evaluated 2026-02-14.

Conditions:
Retinitis pigmentosa 80 (RP80). Identifiers: MedGen C4540439, MONDO:0054708, OMIM 617781.
Saldino-Mainzer syndrome (SRTD9). Also called: Renal dysplasia, retinal pigmentary dystrophy, cerebellar ataxia and skeletal dysplasia; short-rib thoracic dysplasia 9 with or without polydactyly; CONORENAL SYNDROME; SHORT-RIB THORACIC DYSPLASIA 9 WITHOUT POLYDACTYLY. Identifiers: Orphanet 140969, MedGen C1849437, MONDO:0009964, OMIM 266920.
Inborn genetic diseases. Identifiers: MedGen C0950123, MeSH D030342.

Allele frequency attached by ClinVar (database versions not stated): ExAC 0.00004; gnomAD exomes 0.00004 and 0.00010; TOPMed 0.00008; gnomAD 0.00010.
gnomAD v4.1: 162 of 1,604,230 alleles (0.01%); highest among the groups gnomAD compares: South Asian, 0.012%; 1 homozygote.

Submissions (6):

GeneDx
Classification: Uncertain significance. Last evaluated: 2026-02-14. Review status: criteria provided, single submitter. Criteria: GeneDx Variant Classification Process June 2021. Collection method: clinical testing. Allele origin: germline.
Comment: In silico analysis supports that this missense variant has a deleterious effect on protein structure/function; Has not been previously published as pathogenic or benign to our knowledge

Ambry Genetics
Classification: Uncertain significance for Inborn genetic diseases. Last evaluated: 2025-08-26. Review status: criteria provided, single submitter. Criteria: Ambry Variant Classification Scheme 2023. Collection method: clinical testing. Allele origin: germline.

Blueprint Genetics
Classification: Uncertain significance. Last evaluated: 2024-11-27. Review status: criteria provided, single submitter. Criteria: ACMG Guidelines, 2015. Collection method: clinical testing. Allele origin: germline.

Labcorp Genetics (formerly Invitae), Labcorp
Classification: Uncertain significance for Saldino-Mainzer syndrome. Last evaluated: 2023-10-28. Review status: criteria provided, single submitter. Criteria: Invitae Variant Classification Sherloc (09022015). Collection method: clinical testing. Allele origin: germline.
Comment: This sequence change replaces arginine, which is basic and polar, with tryptophan, which is neutral and slightly polar, at codon 659 of the IFT140 protein (p.Arg659Trp). This variant is present in population databases (rs749099710, gnomAD 0.007%). This variant has not been reported in the literature in individuals affected with IFT140-related conditions. ClinVar contains an entry for this variant (Variation ID: 887235). Advanced modeling of protein sequence and biophysical properties (such as structural, functional, and spatial information, amino acid conservation, physicochemical variation, residue mobility, and thermodynamic stability) has been performed at Invitae for this missense variant, however the output from this modeling did not meet the statistical confidence thresholds required to predict the impact of this variant on IFT140 protein function. In summary, the available evidence is currently insufficient to determine the role of this variant in disease. Therefore, it has been classified as a Variant of Uncertain Significance.

Fulgent Genetics
Classification: Uncertain significance for Saldino-Mainzer syndrome; Retinitis pigmentosa 80. Last evaluated: 2022-05-04. Review status: criteria provided, single submitter. Criteria: ACMG Guidelines, 2015. Collection method: clinical testing. Allele origin: unknown.

Illumina Laboratory Services, Illumina
Classification: Uncertain significance for Saldino-Mainzer syndrome. Last evaluated: 2018-01-13. Review status: criteria provided, single submitter. Criteria: ICSL Variant Classification Criteria 13 December 2019. Collection method: clinical testing. Allele origin: germline.

NM_014714.4(IFT140):c.1975C>T (p.Arg659Trp)

Gene: IFT140 (intraflagellar transport 140; minus strand). Cytogenetic location: 16p13.3.
Variant type: single nucleotide variant.
Coding change: c.1975C>T on transcript NM_014714.4 (MANE Select); coding-DNA position 1975, C replaced by T.
Protein change: p.Arg659Trp; replaces arginine 659 with tryptophan.
Molecular consequence: missense variant.
Genome position (GRCh38, 1-based): chr16:1,564,089, G>A on the plus strand (C>T on the coding strand, the complement: IFT140 is on the minus strand). VCF-style: chr16-1564089-G-A. GRCh37 (hg19) VCF-style: chr16-1614090-G-A.
Other names: short protein forms R659W.
Identifiers: ClinVar variation 887235 (VCV000887235.17), dbSNP rs749099710, ClinGen allele CA7814061.